The following is an entry in ClinVar:

NM_001167.4(XIAP):c.962C>G (p.Ala321Gly)

Gene: XIAP (X-linked inhibitor of apoptosis; plus strand). Cytogenetic location: Xq25.
Variant type: single nucleotide variant.
Coding change: c.962C>G on transcript NM_001167.4 (MANE Select); coding-DNA position 962, C replaced by G.
Protein change: p.Ala321Gly; replaces alanine 321 with glycine.
Molecular consequence: missense variant. On other transcripts: non-coding transcript variant (2).
Genome position (GRCh38, 1-based): chrX:123,888,703, C>G. VCF-style: chrX-123888703-C-G. GRCh37 (hg19) VCF-style: chrX-123022553-C-G.
Other names: c.962C>G, p.Ala321Gly (NM_001204401.2, NM_001378590.1, NM_001378591.1 and 1 more transcripts); short protein forms A321G.
Identifiers: ClinVar variation 367794 (VCV000367794.15), dbSNP rs182340753, ClinGen allele CA10508081.
Genomic context (GRCh38, chrX:123,888,703, plus strand): 5'-TTCACTGTGGAGGAGGGCTAACTGATTGGAAGCCCAGTGAAGACCCTTGGGAACAACATG[C>G]TAAATGGTATCCAGGGTAAGATATTTAATTGTTCATTGTACAGGCAAGTTGGATAGCATG-3'
Protein context (NP_001158.2, residues 311-331): KPSEDPWEQH[Ala321Gly]KWYPGCKYLL

ClinVar aggregate classification (germline): Benign/Likely benign. Review status: criteria provided, multiple submitters, no conflicts (2 of 4 stars). 4 submissions from 4 submitters: Benign (2); Likely benign (2). Last evaluated 2025-12-03.

Conditions:
XIAP-related disorder. Also called: XIAP-related condition.
X-linked lymphoproliferative disease due to XIAP deficiency. Also called: XIAP DEFICIENCY; XIAP-Related Lymphoproliferative Disease, X-Linked. Identifiers: Orphanet 2442, Orphanet 538934, MedGen C1845076, MONDO:0010385, OMIM 300635.

Allele frequency attached by ClinVar (database versions not stated): gnomAD 0.00007 and 0.00012; TOPMed 0.00014; gnomAD exomes 0.00020 and 0.00029; ExAC 0.00035; 1000 Genomes Project 0.00079; 1000 Genomes Project 30x 0.00083.
gnomAD v4.1: 228 of 1,207,692 alleles (0.019%); highest among the groups gnomAD compares: East Asian, 0.65%; 2 homozygotes.

Submissions (4):

Labcorp Genetics (formerly Invitae), Labcorp
Classification: Benign for X-linked lymphoproliferative disease due to XIAP deficiency. Last evaluated: 2025-12-03. Review status: criteria provided, single submitter. Criteria: Invitae Variant Classification Sherloc (09022015). Collection method: clinical testing. Allele origin: germline.

PreventionGenetics, part of Exact Sciences
Classification: Likely benign for XIAP-related condition. Last evaluated: 2025-01-17. Review status: criteria provided, single submitter. Criteria: ACMG Guidelines, 2015. Collection method: clinical testing. Allele origin: germline.
Comment: This variant is classified as likely benign based on ACMG/AMP sequence variant interpretation guidelines (Richards et al. 2015 PMID: 25741868, with internal and published modifications).

Mendelics
Classification: Benign. Last evaluated: 2022-05-04. Review status: criteria provided, single submitter. Criteria: Mendelics Assertion Criteria 2019. Collection method: clinical testing. Allele origin: germline.

Illumina Laboratory Services, Illumina
Classification: Likely benign for X-linked lymphoproliferative disease due to XIAP deficiency. Last evaluated: 2017-04-27. Review status: criteria provided, single submitter. Criteria: ICSL Variant Classification Criteria 13 December 2019. Collection method: clinical testing. Allele origin: germline.
Comment: This variant was observed as part of a predisposition screen in an ostensibly healthy population. A literature search was performed for the gene, cDNA change, and amino acid change (where applicable). Publications were found based on this search. The evidence from the literature, in combination with allele frequency data from public databases where available, was sufficient to determine this variant is unlikely to cause disease. Therefore, this variant is classified as likely benign.

Literature cited by the submitters: PubMed 24616127 (cited by Illumina Laboratory Services, Illumina); PubMed 18068526 (cited by Illumina Laboratory Services, Illumina).